The following is an entry in ClinVar:

NM_017654.4(SAMD9):c.3222T>C (p.Ser1074=)

Gene: SAMD9 (sterile alpha motif domain containing 9; minus strand). Cytogenetic location: 7q21.2.
Variant type: single nucleotide variant.
Coding change: c.3222T>C on transcript NM_017654.4 (MANE Select); coding-DNA position 3222, T replaced by C.
Protein change: p.Ser1074=; no amino-acid change (serine 1074 retained).
Molecular consequence: synonymous variant.
Genome position (GRCh38, 1-based): chr7:93,102,876, A>G on the plus strand (T>C on the coding strand, the complement: SAMD9 is on the minus strand). VCF-style: chr7-93102876-A-G. GRCh37 (hg19) VCF-style: chr7-92732189-A-G.
Other names: c.3222T>C (NM_017654.3); c.3222T>C, p.Ser1074= (NM_001193307.2).
Identifiers: ClinVar variation 3012895 (VCV003012895.6), dbSNP rs2535356266, ClinGen allele CA456625219.
Genomic context (GRCh38, chr7:93,102,876, plus strand): 5'-AATGTAGAAATGTCTTGCCAACGCTTGGCAAATGAATGCATTTGGGTTGAACCGATGGAT[A>G]CTTTCAAGCAATACAGCTTCAACTGCTTCATTTCCTTCATCTTTATGTAATGCTTCAATA-3'
Protein context (NP_060124.2, residues 1064-1084): NEAVEAVLLE[Ser1074=]IHRFNPNAFI

ClinVar aggregate classification (germline): Likely benign. Review status: criteria provided, multiple submitters, no conflicts (2 of 4 stars). 4 submissions from 4 submitters: Likely benign (4). Last evaluated 2026-09-01.

Conditions:
SAMD9-related disorder. Also called: SAMD9-related condition.
Inborn genetic diseases. Identifiers: MedGen C0950123, MeSH D030342.

Allele frequency attached by ClinVar (database versions not stated): gnomAD exomes below 0.00001.
gnomAD v4.1: 3 of 1,613,814 alleles (0.00019%); highest among the groups gnomAD compares: Non-Finnish European, 0.00017%; no homozygotes.

Submissions (4):

PreventionGenetics, part of Exact Sciences
Classification: Likely benign for SAMD9-related condition. Last evaluated: 2026-09-01. Review status: criteria provided, single submitter. Criteria: ACMG Guidelines, 2015. Collection method: clinical testing. Allele origin: germline.
Comment: This variant is classified as likely benign based on ACMG/AMP sequence variant interpretation guidelines (Richards et al. 2015 PMID: 25741868, with internal and published modifications).

Ambry Genetics
Classification: Likely benign for Inborn genetic diseases. Last evaluated: 2025-01-04. Review status: criteria provided, single submitter. Criteria: Ambry Variant Classification Scheme 2023. Collection method: clinical testing. Allele origin: germline.

Labcorp Genetics (formerly Invitae), Labcorp
Classification: Likely benign. Last evaluated: 2024-10-17. Review status: criteria provided, single submitter. Criteria: Invitae Variant Classification Sherloc (09022015). Collection method: clinical testing. Allele origin: germline.

Blueprint Genetics
Classification: Likely benign. Last evaluated: 2023-02-02. Review status: criteria provided, single submitter. Criteria: ACMG Guidelines, 2015. Collection method: clinical testing. Allele origin: germline.